The following is an entry in ClinVar:

ClinVar aggregate classification (germline): Likely benign (1 of 4 stars; one submission).

gnomAD v4.1: 76 of 1,612,980 alleles (0.0047%); highest among the groups gnomAD compares: Non-Finnish European, 0.0063%; no homozygotes.

Submission:

Mayo Clinic Laboratories, Mayo Clinic
Classification: Likely benign. Last evaluated: 2025-08-05. Review status: criteria provided, single submitter. Criteria: ACMG Guidelines, 2015. Collection method: clinical testing. Allele origin: germline. Observed: 1 variant allele.
Comment: BP4, BP7

NM_000037.4(ANK1):c.-23C>T

Gene: ANK1 (ankyrin 1; minus strand). Cytogenetic location: 8p11.21.
Variant type: single nucleotide variant.
Coding change: c.-23C>T on transcript NM_000037.4 (MANE Select); 23 bases upstream of the start codon, C replaced by T.
Molecular consequence: 5 prime UTR variant. On other transcripts: intron variant (1).
Genome position (GRCh38, 1-based): chr8:41,797,561, G>A on the plus strand (C>T on the coding strand, the complement: ANK1 is on the minus strand). VCF-style: chr8-41797561-G-A. GRCh37 (hg19) VCF-style: chr8-41655079-G-A.
Other names: p.?; c.-23C>T (NM_020475.3, NM_020476.3, NM_020477.3); c.127-39424C>T (NM_001142446.2).
Identifiers: ClinVar variation 4683334 (VCV004683334.1).